The following is an entry in ClinVar:

ClinVar aggregate classification (germline): Uncertain significance (1 of 4 stars; one submission).

Submission:

Labcorp Genetics (formerly Invitae), Labcorp
Classification: Uncertain significance. Last evaluated: 2024-06-25. Review status: criteria provided, single submitter. Criteria: Invitae Variant Classification Sherloc (09022015). Collection method: clinical testing. Allele origin: germline.
Comment: This sequence change replaces aspartic acid, which is acidic and polar, with asparagine, which is neutral and polar, at codon 1115 of the SAMD9 protein (p.Asp1115Asn). This variant is not present in population databases (gnomAD no frequency). This variant has not been reported in the literature in individuals affected with SAMD9-related conditions. Advanced modeling of protein sequence and biophysical properties (such as structural, functional, and spatial information, amino acid conservation, physicochemical variation, residue mobility, and thermodynamic stability) performed at Invitae indicates that this missense variant is not expected to disrupt SAMD9 protein function with a negative predictive value of 95%. In summary, the available evidence is currently insufficient to determine the role of this variant in disease. Therefore, it has been classified as a Variant of Uncertain Significance.

NM_017654.4(SAMD9):c.3343G>A (p.Asp1115Asn)

Gene: SAMD9 (sterile alpha motif domain containing 9; minus strand). Cytogenetic location: 7q21.2.
Variant type: single nucleotide variant.
Coding change: c.3343G>A on transcript NM_017654.4 (MANE Select); coding-DNA position 3343, G replaced by A.
Protein change: p.Asp1115Asn; replaces aspartic acid 1115 with asparagine.
Molecular consequence: missense variant.
Genome position (GRCh38, 1-based): chr7:93,102,755, C>T on the plus strand (G>A on the coding strand, the complement: SAMD9 is on the minus strand). VCF-style: chr7-93102755-C-T. GRCh37 (hg19) VCF-style: chr7-92732068-C-T.
Other names: c.3343G>A, p.Asp1115Asn (NM_001193307.2); short protein forms D1115N.
Identifiers: ClinVar variation 3636736 (VCV003636736.2).